The following is an entry in ClinVar:

NM_001382567.1(STIM1):c.747G>T (p.Glu249Asp)

Gene: STIM1 (stromal interaction molecule 1; plus strand). Cytogenetic location: 11p15.4.
Variant type: single nucleotide variant.
Coding change: c.747G>T on transcript NM_001382567.1 (MANE Select); coding-DNA position 747, G replaced by T.
Protein change: p.Glu249Asp; replaces glutamic acid 249 with aspartic acid.
Molecular consequence: missense variant. On other transcripts: non-coding transcript variant (2).
Genome position (GRCh38, 1-based): chr11:4,070,159, G>T. VCF-style: chr11-4070159-G-T. GRCh37 (hg19) VCF-style: chr11-4091389-G-T.
Other names: c.747G>T, p.Glu249Asp (NM_001277961.3, NM_001277962.2, NM_001382568.1 and 2 more transcripts); c.525G>T, p.Glu175Asp (NM_001382566.1, NM_001382573.1, NM_001382574.1 and 5 more transcripts); c.612G>T, p.Glu204Asp (NM_001382569.1); c.519G>T, p.Glu173Asp (NM_001382570.1); c.267G>T, p.Glu89Asp (NM_001382571.1); c.258G>T, p.Glu86Asp (NM_001382580.1, NM_001382581.1); short protein forms E204D, E86D, E89D, E249D, E173D, E175D.
Identifiers: ClinVar variation 2936254 (VCV002936254.4), dbSNP rs2498371863, ClinGen allele CA379189113.

ClinVar aggregate classification (germline): Uncertain significance. Review status: criteria provided, multiple submitters, no conflicts (2 of 4 stars). 2 submissions from 2 submitters: Uncertain significance (2). Last evaluated 2026-05-12.

Conditions:
Stormorken syndrome (STRMK). Also called: THROMBOCYTOPATHY, ASPLENIA, AND MIOSIS. Identifiers: Orphanet 3204, MedGen C1861451, MONDO:0008497, OMIM 185070.
Myopathy with tubular aggregates (TAM). Also called: Tubular Aggregate Myopathy. Identifiers: Orphanet 2593, MedGen C0410207, MONDO:0008051.
Combined immunodeficiency due to STIM1 deficiency. Also called: STIM1 DEFICIENCY; IMMUNODEFICIENCY 10. Identifiers: Orphanet 169090, Orphanet 317430, MedGen C2748557, MONDO:0013008, OMIM 612783.
Inborn genetic diseases. Identifiers: MedGen C0950123, MeSH D030342.

gnomAD v4.1: 1 of 1,614,182 alleles (0.000062%); no homozygotes.

Submissions (2):

Ambry Genetics
Classification: Uncertain significance for Inborn genetic diseases. Last evaluated: 2026-05-12. Review status: criteria provided, single submitter. Criteria: Ambry Variant Classification Scheme 2023. Collection method: clinical testing. Allele origin: germline.

Labcorp Genetics (formerly Invitae), Labcorp
Classification: Uncertain significance for Myopathy with tubular aggregates; Combined immunodeficiency due to STIM1 deficiency; Stormorken syndrome. Last evaluated: 2023-08-17. Review status: criteria provided, single submitter. Criteria: Invitae Variant Classification Sherloc (09022015). Collection method: clinical testing. Allele origin: germline.
Comment: This sequence change replaces glutamic acid, which is acidic and polar, with aspartic acid, which is acidic and polar, at codon 249 of the STIM1 protein (p.Glu249Asp). In summary, the available evidence is currently insufficient to determine the role of this variant in disease. Therefore, it has been classified as a Variant of Uncertain Significance. Advanced modeling of protein sequence and biophysical properties (such as structural, functional, and spatial information, amino acid conservation, physicochemical variation, residue mobility, and thermodynamic stability) has been performed at Invitae for this missense variant, however the output from this modeling did not meet the statistical confidence thresholds required to predict the impact of this variant on STIM1 protein function. This variant has not been reported in the literature in individuals affected with STIM1-related conditions. This variant is not present in population databases (gnomAD no frequency).